The following is an entry in ClinVar:

ClinVar aggregate classification (germline): Uncertain significance. Review status: criteria provided, multiple submitters, no conflicts (2 of 4 stars). 2 submissions from 2 submitters: Uncertain significance (2). Last evaluated 2024-05-02.

Conditions:
Ehlers-Danlos syndrome, type 4 (EDSVASC). Also called: Ehlers-Danlos Syndrome Type IV; Ehlers-Danlos syndrome vascular type; Ehlers Danlos syndrome, ecchymotic type; Ehlers Danlos syndrome, arterial type; Ehlers Danlos syndrome, Sack-Barabas type. Identifiers: Orphanet 286, MedGen C0268338, MONDO:0017314, OMIM 130050.

Allele frequency attached by ClinVar (database versions not stated): gnomAD exomes below 0.00001; TOPMed below 0.00001; gnomAD 0.00001.
gnomAD v4.1: 2 of 1,613,842 alleles (0.00012%); highest among the groups gnomAD compares: Admixed American, 0.0017%; no homozygotes.

Submissions (2):

Labcorp Genetics (formerly Invitae), Labcorp
Classification: Uncertain significance for Ehlers-Danlos syndrome, type 4. Last evaluated: 2024-05-02. Review status: criteria provided, single submitter. Criteria: Invitae Variant Classification Sherloc (09022015). Collection method: clinical testing. Allele origin: germline.
Comment: This sequence change replaces glutamic acid, which is acidic and polar, with glutamine, which is neutral and polar, at codon 730 of the COL3A1 protein (p.Glu730Gln). This variant is not present in population databases (gnomAD no frequency). This variant has not been reported in the literature in individuals affected with COL3A1-related conditions. Advanced modeling of protein sequence and biophysical properties (such as structural, functional, and spatial information, amino acid conservation, physicochemical variation, residue mobility, and thermodynamic stability) has been performed at Invitae for this missense variant, however the output from this modeling did not meet the statistical confidence thresholds required to predict the impact of this variant on COL3A1 protein function. In summary, the available evidence is currently insufficient to determine the role of this variant in disease. Therefore, it has been classified as a Variant of Uncertain Significance.

All of Us Research Program, National Institutes of Health
Classification: Uncertain significance for Ehlers-Danlos syndrome, type 4. Last evaluated: 2023-03-28. Review status: criteria provided, single submitter. Criteria: ACMG Guidelines, 2015. Collection method: clinical testing. Allele origin: germline. Inheritance: Autosomal dominant inheritance. Observed: 1 variant allele, 1 heterozygote.
Comment: This study involves interpretation of variants in research participants for the purpose of population health screening. Participant phenotype was not available at the time of variant classification. Additional details can be found in publication PMID: 35346344, PMCID: PMC8962531

NM_000090.4(COL3A1):c.2188G>C (p.Glu730Gln)

Gene: COL3A1 (collagen type III alpha 1 chain; plus strand). Cytogenetic location: 2q32.2.
Variant type: single nucleotide variant.
Coding change: c.2188G>C on transcript NM_000090.4 (MANE Select); coding-DNA position 2188, G replaced by C.
Protein change: p.Glu730Gln; replaces glutamic acid 730 with glutamine.
Molecular consequence: missense variant.
Genome position (GRCh38, 1-based): chr2:188,999,536, G>C. VCF-style: chr2-188999536-G-C. GRCh37 (hg19) VCF-style: chr2-189864262-G-C.
Other names: short protein forms E730Q.
Identifiers: ClinVar variation 3069999 (VCV003069999.3), dbSNP rs267599125, ClinGen allele CA349840778.